The following is an entry in ClinVar:

NM_006019.4(TCIRG1):c.2008dup (p.Arg670fs)

Gene: TCIRG1 (T cell immune regulator 1, ATPase H+ transporting V0 subunit a3; plus strand). Cytogenetic location: 11q13.2.
Variant type: Duplication.
Coding change: c.2008dup on transcript NM_006019.4 (MANE Select); coding-DNA position 2008, one base duplicated (C; older notation c.2008dupC).
Protein change: p.Arg670fs; shifts the reading frame from arginine 670.
Molecular consequence: frameshift variant.
Genome position (GRCh38, 1-based): chr11:68,049,783, C duplicated; the last of 2 consecutive C bases (chr11:68,049,782-68,049,783); duplicating either gives the same sequence. VCF-style (leftmost placement, unchanged base first): chr11-68049781-A-AC. GRCh37 (hg19) VCF-style: chr11-67817248-A-AC.
Other names: c.1114dup, p.Arg372fs (NM_001351059.2); c.2008dup, p.Arg670fs (NM_001440552.1, NM_001440553.1, NM_001440554.1 and 2 more transcripts); c.1966dup, p.Arg656fs (NM_001440555.1, NM_001440556.1, NM_001440563.1); c.1795dup, p.Arg599fs (NM_001440559.1, NM_001440560.1, NM_001440561.1 and 2 more transcripts); c.1753dup, p.Arg585fs (NM_001440564.1); c.1708dup, p.Arg570fs (NM_001440565.1); c.1546dup, p.Arg516fs (NM_001440567.1); c.1540dup, p.Arg514fs (NM_001440568.1); and 2 more; short protein forms R350fs, R372fs, R454fs, R514fs, R516fs, R570fs, R585fs, R599fs.
Identifiers: ClinVar variation 4815481 (VCV004815481.1).

ClinVar aggregate classification (germline): Likely pathogenic (1 of 4 stars; one submission).

Conditions:
Autosomal recessive osteopetrosis 1. Also called: ALBERS-SCHONBERG DISEASE, AUTOSOMAL RECESSIVE; TCIRG1-Related Autosomal Recessive Osteopetrosis; TCIRG1-Related Osteopetrosis. Identifiers: Orphanet 667, MedGen C1850127, MONDO:0009815, OMIM 259700.

Submission:

Natera, Inc.
Classification: Likely pathogenic for Infantile malignant osteopetrosis. Last evaluated: 2024-08-23. Review status: criteria provided, single submitter. Criteria: Natera Variant Classification Schema (03/2026). Collection method: clinical testing. Allele origin: germline.
Comment: The c.2008dup variant in TCIRG1 is a frameshift variant predicted to shift the reading frame beginning at codon 670 and leads to a stop codon 14 codons downstream. This variant is expected to result in nonsense mediated decay, truncation, or a dysfunctional protein product. This variant is rare in the general population with a frequency below the threshold expected for the associated phenotype(s). Given the available evidence, this variant is classified as Likely Pathogenic.